The following is an entry in ClinVar:

NM_016151.4(TAOK2):c.966C>T (p.Asn322=)

Gene: TAOK2 (TAO kinase 2; plus strand). Cytogenetic location: 16p11.2.
Variant type: single nucleotide variant.
Coding change: c.966C>T on transcript NM_016151.4 (MANE Select); coding-DNA position 966, C replaced by T.
Protein change: p.Asn322=; no amino-acid change (asparagine 322 retained).
Molecular consequence: synonymous variant.
Genome position (GRCh38, 1-based): chr16:29,982,868, C>T. VCF-style: chr16-29982868-C-T. GRCh37 (hg19) VCF-style: chr16-29994189-C-T.
Other names: c.966C>T, p.Asn322= (NM_001252043.2, NM_004783.4).
Identifiers: ClinVar variation 1657859 (VCV001657859.32), dbSNP rs199673794, ClinGen allele CA7997986.

ClinVar aggregate classification (germline): Likely benign. Review status: criteria provided, multiple submitters, no conflicts (2 of 4 stars). 2 submissions from 2 submitters: Likely benign (2). Last evaluated 2022-10-24.

Allele frequency attached by ClinVar (database versions not stated): ExAC 0.00001; gnomAD exomes 0.00001; TOPMed 0.00001; gnomAD 0.00002 and 0.00003; 1000 Genomes Project 30x 0.00016; 1000 Genomes Project 0.00020.
gnomAD v4.1: 27 of 1,614,076 alleles (0.0017%); highest among the groups gnomAD compares: African/African-American, 0.011%; no homozygotes.

Submissions (2):

Labcorp Genetics (formerly Invitae), Labcorp
Classification: Likely benign. Last evaluated: 2022-10-24. Review status: criteria provided, single submitter. Criteria: Invitae Variant Classification Sherloc (09022015). Collection method: clinical testing. Allele origin: germline.

CeGaT Center for Human Genetics Tuebingen
Classification: Likely benign. Last evaluated: 2022-04-01. Review status: criteria provided, single submitter. Criteria: CeGaT Center For Human Genetics Tuebingen Variant Classification Criteria Version 2. Collection method: clinical testing. Allele origin: germline. Affected: yes. Observed: 1 variant allele.
Comment: TAOK2: BP4, BP7